The following is an entry in ClinVar:

ClinVar aggregate classification (germline): Uncertain significance (1 of 4 stars; one submission).

Allele frequency attached by ClinVar (database versions not stated): ExAC 0.00001; gnomAD 0.00001; gnomAD exomes 0.00001; TOPMed 0.00001.
gnomAD v4.1: 8 of 1,613,968 alleles (0.0005%); highest among the groups gnomAD compares: African/African-American, 0.004%; no homozygotes.

Submission:

Labcorp Genetics (formerly Invitae), Labcorp
Classification: Uncertain significance. Last evaluated: 2022-10-19. Review status: criteria provided, single submitter. Criteria: Invitae Variant Classification Sherloc (09022015). Collection method: clinical testing. Allele origin: germline.
Comment: In summary, the available evidence is currently insufficient to determine the role of this variant in disease. Therefore, it has been classified as a Variant of Uncertain Significance. Algorithms developed to predict the effect of sequence changes on RNA splicing suggest that this variant may create or strengthen a splice site. This variant has not been reported in the literature in individuals affected with HMCN1-related conditions. This variant is present in population databases (rs754368278, gnomAD 0.0009%). This sequence change falls in intron 74 of the HMCN1 gene. It does not directly change the encoded amino acid sequence of the HMCN1 protein.

NM_031935.3(HMCN1):c.11404+9C>T

Gene: HMCN1 (hemicentin 1; plus strand). Cytogenetic location: 1q31.1.
Variant type: single nucleotide variant.
Coding change: c.11404+9C>T on transcript NM_031935.3 (MANE Select); 9 bases into the intron after coding-DNA position 11404, C replaced by T.
Molecular consequence: intron variant.
Genome position (GRCh38, 1-based): chr1:186,114,955, C>T. VCF-style: chr1-186114955-C-T. GRCh37 (hg19) VCF-style: chr1-186084087-C-T.
Identifiers: ClinVar variation 1950497 (VCV001950497.5), dbSNP rs754368278, ClinGen allele CA1294026.